The following is an entry in ClinVar:

ClinVar aggregate classification (germline): Pathogenic (1 of 4 stars; one submission).

Conditions:
Familial melanoma. Also called: Hereditary melanoma; Hereditary cutaneous melanoma. Identifiers: Orphanet 618, MedGen C1512419, MONDO:0018961.

Submission:

Labcorp Genetics (formerly Invitae), Labcorp
Classification: Pathogenic for Familial melanoma. Last evaluated: 2022-10-28. Review status: criteria provided, single submitter. Criteria: Invitae Variant Classification Sherloc (09022015). Collection method: clinical testing. Allele origin: germline.
Comment: The CDKN2A gene encodes two different proteins, p16INK4a and p14ARF, which are translated from alternative transcripts with different open reading frames. Both transcripts have been analyzed. We report either the variant with the higher classification or default to the CDKN2A (p16INK4a) variant. This report therefore includes the details for the CDKN2A (p16INK4a) variant. For these reasons, this variant has been classified as Pathogenic. While the evidence indicates that this variant confers risk of developing CDKN2A (p16INK4a)-associated conditions, its association with risk for developing CDKN2A (p14ARF)-associated conditions is still unclear. This variant disrupts a region of the CDKN2A (p16INK4a) protein in which other variant(s) (p.Val126Asp) have been determined to be pathogenic (PMID: 7987387, 9425228, 15146471, 16905682, 20340136, 23371019, 25356972). This suggests that this is a clinically significant region of the protein, and that variants that disrupt it are likely to be disease-causing. ClinVar contains an entry for this variant (Variation ID: 566520). This variant is also known as c.264del (p.Arg90Alafs*82) in the CDKN2A (p14ARF) transcript. This variant has not been reported in the literature in individuals affected with CDKN2A (p16INK4a)-related conditions. This variant is not present in population databases (gnomAD no frequency). This sequence change creates a premature translational stop signal (p.Asp74Alafs*72) in the CDKN2A (p16INK4a) gene. While this is not anticipated to result in nonsense mediated decay, it is expected to disrupt the last 83 amino acid(s) of the CDKN2A (p16INK4a) protein.

Literature cited by the submitters: PubMed 7987387; PubMed 9425228; PubMed 15146471; PubMed 16905682; PubMed 20340136; PubMed 23371019; PubMed 25356972.

NM_000077.5(CDKN2A):c.221del (p.Asp74fs)

Gene: CDKN2A (cyclin dependent kinase inhibitor 2A; minus strand). Cytogenetic location: 9p21.3.
Variant type: Deletion.
Coding change: c.221del on transcript NM_000077.5; coding-DNA position 221, one base deleted (A; older notation c.221delA).
Protein change: p.Asp74fs; shifts the reading frame from aspartic acid 74.
Molecular consequence: frameshift variant (on NM_000077.6). On other transcripts: 3 prime UTR variant (1).
Genome position (GRCh38, 1-based): chr9:21,971,138, T deleted on the plus strand (A on the coding strand, the reverse complement: CDKN2A is on the minus strand). VCF-style (leftmost placement, unchanged base first): chr9-21971137-GT-G. GRCh37 (hg19) VCF-style: chr9-21971136-GT-G.
Other names: c.221delA, p.Asp74Alafs (NM_000077.6); c.221del, p.Asp74fs (NM_001195132.2); c.68del, p.Asp23fs (NM_001363763.2); c.264del, p.Arg90fs (NM_058195.4); c.*144del (NM_058197.5); short protein forms R90fs, D74fs, D23fs.
Identifiers: ClinVar variation 566520 (VCV000566520.8), dbSNP rs1563889685, ClinGen allele CA891842866.